The following is an entry in ClinVar:

ClinVar aggregate classification (germline): Uncertain significance. Review status: criteria provided, multiple submitters, no conflicts (2 of 4 stars). 2 submissions from 2 submitters: Uncertain significance (2). Last evaluated 2025-06-12.

Conditions:
Inborn genetic diseases. Identifiers: MedGen C0950123, MeSH D030342.
Congenital myopathy with internal nuclei and atypical cores. Also called: Myopathy, centronuclear, 4. Identifiers: Orphanet 319160, MedGen C4707232, MONDO:0013890, OMIM 614807.

Allele frequency attached by ClinVar (database versions not stated): TOPMed 0.00002.
gnomAD v4.1: 11 of 1,548,344 alleles (0.00071%); highest among the groups gnomAD compares: African/African-American, 0.012%; no homozygotes.

Submissions (2):

Ambry Genetics
Classification: Uncertain significance for Inborn genetic diseases. Last evaluated: 2025-06-12. Review status: criteria provided, single submitter. Criteria: Ambry Variant Classification Scheme 2023. Collection method: clinical testing. Allele origin: germline.

Labcorp Genetics (formerly Invitae), Labcorp
Classification: Uncertain significance for Congenital myopathy with internal nuclei and atypical cores. Last evaluated: 2024-11-28. Review status: criteria provided, single submitter. Criteria: Invitae Variant Classification Sherloc (09022015). Collection method: clinical testing. Allele origin: germline.
Comment: This sequence change replaces arginine, which is basic and polar, with leucine, which is neutral and non-polar, at codon 17 of the CCDC78 protein (p.Arg17Leu). The frequency data for this variant in the population databases is considered unreliable, as metrics indicate poor data quality at this position in the gnomAD database. This variant has not been reported in the literature in individuals affected with CCDC78-related conditions. ClinVar contains an entry for this variant (Variation ID: 1443383). Invitae Evidence Modeling of protein sequence and biophysical properties (such as structural, functional, and spatial information, amino acid conservation, physicochemical variation, residue mobility, and thermodynamic stability) indicates that this missense variant is not expected to disrupt CCDC78 protein function with a negative predictive value of 80%. In summary, the available evidence is currently insufficient to determine the role of this variant in disease. Therefore, it has been classified as a Variant of Uncertain Significance.

NM_001378030.1(CCDC78):c.50G>T (p.Arg17Leu)

Gene: CCDC78 (coiled-coil domain containing 78; minus strand). Cytogenetic location: 16p13.3.
Variant type: single nucleotide variant.
Coding change: c.50G>T on transcript NM_001378030.1 (MANE Select); coding-DNA position 50, G replaced by T.
Protein change: p.Arg17Leu; replaces arginine 17 with leucine.
Molecular consequence: missense variant. On other transcripts: non-coding transcript variant (3), intron variant (1).
Genome position (GRCh38, 1-based): chr16:726,318, C>A on the plus strand (G>T on the coding strand, the complement: CCDC78 is on the minus strand). VCF-style: chr16-726318-C-A. GRCh37 (hg19) VCF-style: chr16-776318-C-A.
Other names: c.50G>T (NM_001031737.2); c.50G>T, p.Arg17Leu (NM_001031737.3, NM_001378031.1); c.-225-233G>T (NM_001378033.1); short protein forms R17L.
Identifiers: ClinVar variation 1443383 (VCV001443383.9), dbSNP rs1046402338, ClinGen allele CA394106278.